The following is an entry in ClinVar:

NM_014915.3(ANKRD26):c.2042T>C (p.Met681Thr)

Gene: ANKRD26 (ankyrin repeat domain containing 26; minus strand). Cytogenetic location: 10p12.1.
Variant type: single nucleotide variant.
Coding change: c.2042T>C on transcript NM_014915.3 (MANE Select); coding-DNA position 2042, T replaced by C.
Protein change: p.Met681Thr; replaces methionine 681 with threonine.
Molecular consequence: missense variant.
Genome position (GRCh38, 1-based): chr10:27,043,545, A>G on the plus strand (T>C on the coding strand, the complement: ANKRD26 is on the minus strand). VCF-style: chr10-27043545-A-G. GRCh37 (hg19) VCF-style: chr10-27332474-A-G.
Other names: c.2039T>C, p.Met680Thr (NM_001256053.2); short protein forms M680T, M681T.
Identifiers: ClinVar variation 4104091 (VCV004104091.1).
Genomic context (GRCh38, chr10:27,043,545, plus strand): 5'-GGTAGCTCACAATCCTCTGAGGCTGTTTCAGATGACTGAGTTAAGTCATCAACATCATCC[A>G]TAGACTGTATTTGGTTTTTGACCTATGAAATAAATAACACTGTTTCAAAATGTCCCCAGA-3'
Protein context (NP_055730.2, residues 671-691): KNKVKNQIQS[Met681Thr]DDVDDLTQSS

ClinVar aggregate classification (germline): Uncertain significance (1 of 4 stars; one submission).

Conditions:
Inborn genetic diseases. Identifiers: MedGen C0950123, MeSH D030342.

gnomAD v4.1: 3 of 1,613,904 alleles (0.00019%); highest among the groups gnomAD compares: East Asian, 0.0022%; no homozygotes.

Submission:

Ambry Genetics
Classification: Uncertain significance for Inborn genetic diseases. Last evaluated: 2025-08-09. Review status: criteria provided, single submitter. Criteria: Ambry Variant Classification Scheme 2023. Collection method: clinical testing. Allele origin: germline.
Comment: The p.M681T variant (also known as c.2042T>C), located in coding exon 20 of the ANKRD26 gene, results from a T to C substitution at nucleotide position 2042. The methionine at codon 681 is replaced by threonine, an amino acid with similar properties. This amino acid position is conserved. In addition, this alteration is predicted to be tolerated by in silico analysis. Based on the available evidence, the clinical significance of this variant remains unclear.